The following is an entry in ClinVar:

ClinVar aggregate classification (germline): Uncertain significance (1 of 4 stars; one submission).

Conditions:
Combined oxidative phosphorylation defect type 14. Also called: Combined oxidative phosphorylation deficiency 14. Identifiers: Orphanet 319519, MedGen C4755312, MONDO:0013986, OMIM 614946.

Submission:

Labcorp Genetics (formerly Invitae), Labcorp
Classification: Uncertain significance for Combined oxidative phosphorylation defect type 14. Last evaluated: 2022-09-06. Review status: criteria provided, single submitter. Criteria: Invitae Variant Classification Sherloc (09022015). Collection method: clinical testing. Allele origin: germline.
Comment: This sequence change falls in intron 6 of the FARS2 gene. It does not directly change the encoded amino acid sequence of the FARS2 protein. It affects a nucleotide within the consensus splice site. This variant is not present in population databases (gnomAD no frequency). This variant has not been reported in the literature in individuals affected with FARS2-related conditions. ClinVar contains an entry for this variant (Variation ID: 1372703). Variants that disrupt the consensus splice site are a relatively common cause of aberrant splicing (PMID: 17576681, 9536098). Algorithms developed to predict the effect of sequence changes on RNA splicing suggest that this variant is not likely to affect RNA splicing. In summary, the available evidence is currently insufficient to determine the role of this variant in disease. Therefore, it has been classified as a Variant of Uncertain Significance.

Literature cited by the submitters: PubMed 17576681; PubMed 9536098.

NM_006567.5(FARS2):c.1217+4A>G

Gene: FARS2 (phenylalanyl-tRNA synthetase 2, mitochondrial; plus strand). Cytogenetic location: 6p25.1.
Variant type: single nucleotide variant.
Coding change: c.1217+4A>G on transcript NM_006567.5 (MANE Select); 4 bases into the intron after coding-DNA position 1217, A replaced by G.
Molecular consequence: intron variant.
Genome position (GRCh38, 1-based): chr6:5,613,324, A>G. VCF-style: chr6-5613324-A-G. GRCh37 (hg19) VCF-style: chr6-5613557-A-G.
Other names: c.1217+4A>G (NM_001374878.1, NM_001318872.2, NM_001374877.1 and 4 more transcripts); c.1085+4A>G (NM_001375258.1); c.521+4A>G (NM_001375260.1, NM_001375259.1).
Identifiers: ClinVar variation 1372703 (VCV001372703.6), dbSNP rs2150673989, ClinGen allele CA2573140729.